The following is an entry in ClinVar:

NM_022095.4(ZNF335):c.2744_2747del (p.Ser915fs)

Gene: ZNF335 (zinc finger protein 335; minus strand). Cytogenetic location: 20q13.12.
Variant type: Microsatellite.
Coding change: c.2744_2747del on transcript NM_022095.4 (MANE Select); coding-DNA positions 2744 to 2747, 4 bases deleted (GTGA; older notation c.2744_2747delGTGA).
Protein change: p.Ser915fs; shifts the reading frame from serine 915.
Molecular consequence: frameshift variant.
Genome position (GRCh38, 1-based): chr20:45,952,665-45,952,668, TCAC deleted on the plus strand (GTGA on the coding strand, the reverse complement: ZNF335 is on the minus strand); deleting any 4 consecutive bases within chr20:45,952,665-45,952,672 gives the same sequence; the c. name uses the placement nearest the transcript's 3' end. VCF-style (leftmost placement, unchanged base first): chr20-45952664-GTCAC-G. GRCh37 (hg19) VCF-style: chr20-44581303-GTCAC-G.
Other names: c.2744_2747delGTGA (NM_022095.3, NM_022095.4); short protein forms S915fs.
Identifiers: ClinVar variation 375393 (VCV000375393.12), dbSNP rs753460205, ClinGen allele CA9885261.

ClinVar aggregate classification (germline): Pathogenic/Likely pathogenic. Review status: criteria provided, multiple submitters, no conflicts (2 of 4 stars). 9 submissions from 9 submitters: Pathogenic (3); Likely pathogenic (4). 2 of the submissions do not count toward it. Last evaluated 2026-06-10.

Conditions:
ZNF335-related disorder. Also called: ZNF335-related condition.
Microcephalic primordial dwarfism due to ZNF335 deficiency. Also called: Primary autosomal recessive microcephaly 10. Identifiers: Orphanet 329228, MedGen C3554499, MONDO:0014043, OMIM 615095.

Submissions (9):

Women's Health and Genetics/Laboratory Corporation of America, LabCorp
Classification: Pathogenic for Microcephalic primordial dwarfism due to ZNF335 deficiency. Last evaluated: 2026-06-10. Review status: criteria provided, single submitter. Criteria: LabCorp Variant Classification Summary - May 2015. Collection method: clinical testing. Allele origin: germline.
Comment: Variant summary: ZNF335 c.2744_2747delGTGA (p.Ser915ThrfsX3) results in a premature termination codon, predicted to cause a truncation of the encoded protein or absence of the protein due to nonsense mediated decay, which are commonly known mechanisms for disease. The variant allele was found at a frequency of 0.00012 in 248128 control chromosomes. This frequency is not significantly higher than estimated for disease-causing variants in ZNF335, allowing no conclusion about variant significance. c.2744_2747delGTGA has been observed in the presumed compound heterozygous state in at least 1 individual(s) affected with ZNF335-related conditions. To our knowledge, no experimental evidence demonstrating its impact on protein function has been reported. The following publication has been ascertained in the context of this evaluation (PMID: 28327206). ClinVar contains an entry for this variant (Variation ID: 375393). Based on the evidence outlined above, the variant was classified as pathogenic.

GeneDx
Classification: Likely pathogenic. Last evaluated: 2026-04-07. Review status: criteria provided, single submitter. Criteria: GeneDx Variant Classification Process June 2021. Collection method: clinical testing. Allele origin: germline.
Comment: Frameshift variant predicted to result in protein truncation or nonsense mediated decay in a gene for which loss of function is a known mechanism of disease; Reported in a patient with developmental delay, seizures, hypomyelination, and failure to thrive who harbored a second pathogenic ZNF335 variant, however, segregation information was not provided (PMID: 28327206); This variant is associated with the following publications: (PMID: 31216405, 31589614, 25326635, 34426522, 28327206, 37853563)

PreventionGenetics, part of Exact Sciences
Classification: Likely pathogenic for ZNF335-related condition. Last evaluated: 2025-03-13. Review status: criteria provided, single submitter. Criteria: ACMG Guidelines, 2015. Collection method: clinical testing. Allele origin: germline.
Comment: The ZNF335 c.2744_2747delGTGA variant is predicted to result in a frameshift and premature protein termination (p.Ser915Thrfs*3). This variant was reported in the compound heterozygous state in an individual with developmental delay, intellectual disability, seizures, and hypomyelination (Supplementary Table S2, Eldomery et al. 2017. PubMed ID: 28327206). This variant was also observed with a second loss of function variant in an individual with microcephaly (Patient ID 118 in Table S1, Liu et al. 2019. PubMed ID: 31216405). This variant is reported in 0.020% of alleles in individuals of East Asian descent in gnomAD. Frameshift variants in ZNF335 are expected to be pathogenic. This variant is interpreted as likely pathogenic.

Genomic Medicine Center of Excellence, King Faisal Specialist Hospital and Research Centre
Classification: Pathogenic for Microcephalic primordial dwarfism due to ZNF335 deficiency. Last evaluated: 2024-03-26. Review status: criteria provided, single submitter. Criteria: ACMG Guidelines, 2015. Collection method: clinical testing. Allele origin: germline.

Duke University Health System Sequencing Clinic, Duke University Health System
Classification: Likely pathogenic for Microcephalic primordial dwarfism due to ZNF335 deficiency. Last evaluated: 2023-04-20. Review status: criteria provided, single submitter. Criteria: ACMG Guidelines, 2015. Collection method: research. Allele origin: paternal. Affected: yes.

Revvity Omics, Revvity
Classification: Likely pathogenic for Microcephalic primordial dwarfism due to ZNF335 deficiency. Last evaluated: 2020-06-17. Review status: criteria provided, single submitter. Criteria: ACMG Guidelines, 2015. Collection method: clinical testing. Allele origin: germline.

Baylor Genetics
Classification: Pathogenic for Microcephalic primordial dwarfism due to ZNF335 deficiency. Last evaluated: 2017-09-01. Review status: criteria provided, single submitter. Criteria: ACMG Guidelines, 2015. Collection method: clinical testing. Allele origin: paternal. Inheritance: Autosomal recessive inheritance. Affected: yes.

Laboratory of Molecular Genetics (Pr. Bezieau's lab), CHU de Nantes
Classification: Pathogenic. Last evaluated: 2016-07-06. Review status: no assertion criteria provided. Collection method: clinical testing. Allele origin: germline. Affected: yes. Not counted in ClinVar's aggregate classification.

Lupski Lab, Baylor-Hopkins CMG, Baylor College of Medicine
Classification: Pathogenic for Microcephalic primordial dwarfism due to ZNF335 deficiency. Review status: no assertion criteria provided. Collection method: research. Allele origin: germline. Inheritance: Autosomal recessive inheritance. Affected: yes. Not counted in ClinVar's aggregate classification.

Literature cited by the submitters: PubMed 28327206 (cited by Women's Health and Genetics/Laboratory Corporation of America, LabCorp); PubMed 25326635 (cited by Baylor Genetics).